The following is an entry in ClinVar:

ClinVar aggregate classification (germline): Uncertain significance (1 of 4 stars; one submission).

Submission:

Ambry Genetics
Classification: Uncertain significance. Last evaluated: 2025-03-25. Review status: criteria provided, single submitter. Criteria: Ambry Variant Classification Scheme 2023. Collection method: clinical testing. Allele origin: germline.
Comment: The c.791delG variant, located in coding exon 7 of the RAD51B gene, results from a deletion of one nucleotide at nucleotide position 791, causing a translational frameshift with a predicted alternate stop codon (p.S264Mfs*29). This alteration is expected to result in loss of function by premature protein truncation or nonsense-mediated mRNA decay. The evidence for this gene-disease relationship is limited; therefore, the clinical significance of this alteration is unclear.

NM_133510.4(RAD51B):c.791del (p.Ser264fs)

Gene: RAD51B (RAD51 paralog B; plus strand). Cytogenetic location: 14q24.1.
Variant type: Deletion.
Coding change: c.791del on transcript NM_133510.4 (MANE Select); coding-DNA position 791, one base deleted (G; older notation c.791delG).
Protein change: p.Ser264fs; shifts the reading frame from serine 264.
Molecular consequence: frameshift variant.
Genome position (GRCh38, 1-based): chr14:68,291,918, G deleted. VCF-style (leftmost placement, unchanged base first): chr14-68291917-AG-A. GRCh37 (hg19) VCF-style: chr14-68758634-AG-A.
Other names: c.791del, p.Ser264fs (NM_001321809.2, NM_001321810.2, NM_001321812.1 and 6 more transcripts); c.677del, p.Ser226fs (NM_001321815.1); c.434del, p.Ser145fs (NM_001321817.2); short protein forms S264fs, S145fs, S226fs.
Identifiers: ClinVar variation 3942259 (VCV003942259.1).